The following is an entry in ClinVar:

ClinVar aggregate classification (germline): Benign (1 of 4 stars; one submission).

Conditions:
Retinitis pigmentosa (RP). Identifiers: Orphanet 791, MedGen C0035334, MeSH D012174, MONDO:0019200, OMIM 268000. Inheritance: Autosomal dominant, autosomal recessive and X linked inheritance.

Allele frequency attached by ClinVar (database versions not stated): gnomAD 0.02466 and 0.02639; TOPMed 0.02782; 1000 Genomes Project 0.03115; 1000 Genomes Project 30x 0.03217.

Submission:

Illumina Laboratory Services, Illumina
Classification: Benign for Retinitis pigmentosa. Last evaluated: 2018-01-13. Review status: criteria provided, single submitter. Criteria: ICSL Variant Classification Criteria 13 December 2019. Collection method: clinical testing. Allele origin: germline.
Comment: This variant was observed in the ICSL laboratory as part of a predisposition screen in an ostensibly healthy population. It had not been previously curated by ICSL or reported in the Human Gene Mutation Database (HGMD: prior to June 1st, 2018), and was therefore a candidate for classification through an automated scoring system. Utilizing variant allele frequency, disease prevalence and penetrance estimates, and inheritance mode, an automated score was calculated to assess if this variant is too frequent to cause the disease. Based on the score and internal cut-off values, a variant classified as benign is not then subjected to further curation. The score for this variant resulted in a classification of benign for this disease.

NM_004744.5(LRAT):c.*3618G>A

Gene: LRAT (lecithin retinol acyltransferase; plus strand). Cytogenetic location: 4q32.1.
Variant type: single nucleotide variant.
Coding change: c.*3618G>A on transcript NM_004744.5 (MANE Select); 3618 bases downstream of the stop codon, G replaced by A.
Molecular consequence: 3 prime UTR variant.
Genome position (GRCh38, 1-based): chr4:154,752,754, G>A. VCF-style: chr4-154752754-G-A. GRCh37 (hg19) VCF-style: chr4-155673906-G-A.
Other names: c.*3618G>A (NM_001301645.2).
Identifiers: ClinVar variation 347885 (VCV000347885.6), dbSNP rs17032002, ClinGen allele CA10618132.
Genomic context (GRCh38, chr4:154,752,754, plus strand): 5'-AGTGTCAAGGAAGACTCATTCACTTTTCTTTCCTGCCAGAAAGTTGGTTCTTGCAAAATA[G>A]ATTAACTTGATGACTATGTGTATATTGGATACTCCTAATTTTAGCTCTGTTAGATATGTT-3'